The following is an entry in ClinVar:

ClinVar aggregate classification (germline): Uncertain significance. Review status: criteria provided, multiple submitters, no conflicts (2 of 4 stars). 2 submissions from 2 submitters: Uncertain significance (2). Last evaluated 2026-07-01.

Conditions:
ABCB4-related disorder. Also called: ABCB4-related disorders; ABCB4-related condition.

Submissions (2):

PreventionGenetics, part of Exact Sciences
Classification: Uncertain significance for ABCB4-related condition. Last evaluated: 2026-07-01. Review status: criteria provided, single submitter. Criteria: ACMG Guidelines, 2015. Collection method: clinical testing. Allele origin: germline.
Comment: The ABCB4 c.577G>A variant is predicted to result in the amino acid substitution p.Gly193Arg. To our knowledge, this variant has not been reported in the literature or in a large population database (gnomAD), indicating this variant is rare. At this time, the clinical significance of this variant is uncertain due to the absence of conclusive functional and genetic evidence.

Eurofins Ntd Llc (ga)
Classification: Uncertain significance. Last evaluated: 2016-09-26. Review status: criteria provided, single submitter. Criteria: EGL Classification Definitions 2015. Collection method: clinical testing. Allele origin: germline. Observed: 1 variant allele, 1 heterozygote.

NM_000443.4(ABCB4):c.577G>A (p.Gly193Arg)

Gene: ABCB4 (ATP binding cassette subfamily B member 4; minus strand). Cytogenetic location: 7q21.12.
Variant type: single nucleotide variant.
Coding change: c.577G>A on transcript NM_000443.4 (MANE Select); coding-DNA position 577, G replaced by A.
Protein change: p.Gly193Arg; replaces glycine 193 with arginine.
Molecular consequence: missense variant.
Genome position (GRCh38, 1-based): chr7:87,451,754, C>T on the plus strand (G>A on the coding strand, the complement: ABCB4 is on the minus strand). VCF-style: chr7-87451754-C-T. GRCh37 (hg19) VCF-style: chr7-87081070-C-T.
Other names: c.577G>A (NM_000443.3); c.577G>A, p.Gly193Arg (NM_018849.3, NM_018850.3); short protein forms G193R.
Identifiers: ClinVar variation 497604 (VCV000497604.6), dbSNP rs1554409845, ClinGen allele CA368052036.